The following is an entry in ClinVar:

ClinVar aggregate classification (germline): Uncertain significance. Review status: criteria provided, multiple submitters, no conflicts (2 of 4 stars). 3 submissions from 3 submitters: Uncertain significance (3). Last evaluated 2024-09-30.

Conditions:
Bartter disease type 3. Also called: Bartter syndrome type 3. Identifiers: Orphanet 112, Orphanet 93605, MedGen C1846343, MONDO:0011822, OMIM 607364.
Bartter disease type 4B. Also called: BARTTER SYNDROME, TYPE 4B; BARTTER SYNDROME, TYPE 4B, NEONATAL, WITH SENSORINEURAL DEAFNESS; Bartter syndrome, type 4b, digenic. Identifiers: Orphanet 112, MedGen C4310805, MONDO:0000909, OMIM 613090.

Allele frequency attached by ClinVar (database versions not stated): ExAC 0.00054; TOPMed 0.00056; ESP Exome Variant Server 0.00069.
gnomAD v4.1: 657 of 1,613,670 alleles (0.041%); highest among the groups gnomAD compares: Admixed American, 0.037%; 3 homozygotes.

Submissions (3):

GeneDx
Classification: Uncertain significance. Last evaluated: 2024-09-30. Review status: criteria provided, single submitter. Criteria: GeneDx Variant Classification Process June 2021. Collection method: clinical testing. Allele origin: germline. Affected: yes.
Comment: In silico analysis indicates that this missense variant does not alter protein structure/function; This variant is associated with the following publications: (PMID: 25923035)

Fulgent Genetics
Classification: Uncertain significance for Bartter disease type 3; Bartter disease type 4B. Last evaluated: 2024-03-05. Review status: criteria provided, single submitter. Criteria: ACMG Guidelines, 2015. Collection method: clinical testing. Allele origin: germline.

Labcorp Genetics (formerly Invitae), Labcorp
Classification: Uncertain significance. Last evaluated: 2022-11-01. Review status: criteria provided, single submitter. Criteria: Invitae Variant Classification Sherloc (09022015). Collection method: clinical testing. Allele origin: germline.
Comment: This sequence change replaces serine, which is neutral and polar, with glycine, which is neutral and non-polar, at codon 297 of the CLCNKB protein (p.Ser297Gly). This variant is present in population databases (rs138525307, gnomAD 1.7%), and has an allele count higher than expected for a pathogenic variant. This missense change has been observed in individual(s) with sudden infant death syndrome (PMID: 25923035). ClinVar contains an entry for this variant (Variation ID: 1372873). Advanced modeling of protein sequence and biophysical properties (such as structural, functional, and spatial information, amino acid conservation, physicochemical variation, residue mobility, and thermodynamic stability) performed at Invitae indicates that this missense variant is not expected to disrupt CLCNKB protein function. In summary, the available evidence is currently insufficient to determine the role of this variant in disease. Therefore, it has been classified as a Variant of Uncertain Significance.

Literature cited by the submitters: PubMed 25923035 (cited by Labcorp Genetics (formerly Invitae), Labcorp).

NM_000085.5(CLCNKB):c.889A>G (p.Ser297Gly)

Genes: CLCNKB (chloride voltage-gated channel Kb; plus strand), LOC106501713 (CLCNKB recombination region; plus strand). Cytogenetic location: 1p36.13.
Variant type: single nucleotide variant.
Coding change: c.889A>G on transcript NM_000085.5 (MANE Select); coding-DNA position 889, A replaced by G.
Protein change: p.Ser297Gly; replaces serine 297 with glycine.
Molecular consequence: missense variant.
Genome position (GRCh38, 1-based): chr1:16,049,837, A>G. VCF-style: chr1-16049837-A-G. GRCh37 (hg19) VCF-style: chr1-16376332-A-G.
Other names: c.889A>G (NM_000085.4); c.382A>G, p.Ser128Gly (NM_001165945.2); short protein forms S128G, S297G.
Identifiers: ClinVar variation 1372873 (VCV001372873.5), dbSNP rs138525307, ClinGen allele CA623583.
Genomic context (GRCh38, chr1:16,049,837, plus strand): 5'-GGGGTCGGGCTCTGGGCTCATGTCTCCATGCTCCCCAGGGGTCTCTGTGGCATCCTGGGC[A>G]GCGCTTACCTCTTCTGTCAGCGAATCTTCTTTGGCTTCATCAGGAACAATAGGTTCAGCT-3'
Protein context (NP_000076.2, residues 287-307): ALGGLCGILG[Ser297Gly]AYLFCQRIFF